The following is an entry in ClinVar:

ClinVar aggregate classification (germline): Pathogenic (1 of 4 stars; one submission).

Conditions:
Brachyolmia-amelogenesis imperfecta syndrome. Also called: Tooth agenesis, selective, 6; Dental anomalies and short stature; PLATYSPONDYLY WITH AMELOGENESIS IMPERFECTA. Identifiers: Orphanet 2899, MedGen C1832594, MONDO:0011018, OMIM 601216. Disease mechanism: loss of function.

Submission:

Labcorp Genetics (formerly Invitae), Labcorp
Classification: Pathogenic for Brachyolmia-amelogenesis imperfecta syndrome. Last evaluated: 2023-02-16. Review status: criteria provided, single submitter. Criteria: Invitae Variant Classification Sherloc (09022015). Collection method: clinical testing. Allele origin: germline.
Comment: This sequence change creates a premature translational stop signal (p.Lys1206Glufs*6) in the LTBP3 gene. It is expected to result in an absent or disrupted protein product. Loss-of-function variants in LTBP3 are known to be pathogenic (PMID: 11790802, 19344874, 25669657). This variant is not present in population databases (gnomAD no frequency). This variant has not been reported in the literature in individuals affected with LTBP3-related conditions. For these reasons, this variant has been classified as Pathogenic.

Literature cited by the submitters: PubMed 11790802; PubMed 19344874; PubMed 25669657.

NM_001130144.3(LTBP3):c.3615dup (p.Lys1206fs)

Gene: LTBP3 (latent transforming growth factor beta binding protein 3; minus strand). Cytogenetic location: 11q13.1.
Variant type: Duplication.
Coding change: c.3615dup on transcript NM_001130144.3 (MANE Select); coding-DNA position 3615, one base duplicated (G; older notation c.3615dupG).
Protein change: p.Lys1206fs; shifts the reading frame from lysine 1206.
Molecular consequence: frameshift variant.
Genome position (GRCh38, 1-based): chr11:65,539,561, C duplicated on the plus strand (G on the coding strand, the reverse complement: LTBP3 is on the minus strand); the first of 4 consecutive C bases (chr11:65,539,561-65,539,564); duplicating any one gives the same sequence. VCF-style (leftmost placement, unchanged base first): chr11-65539560-T-TC. GRCh37 (hg19) VCF-style: chr11-65307031-T-TC.
Other names: c.3123dup, p.Lys1042fs (NM_001164266.1); c.3474dup, p.Lys1159fs (NM_021070.4); short protein forms K1206fs, K1042fs, K1159fs.
Identifiers: ClinVar variation 2035901 (VCV002035901.4), dbSNP rs2496114380, ClinGen allele CA2580084486.
Genomic context (GRCh38, chr11:65,539,560, plus strand): 5'-CGGCCAAAGGCTACCAACCCCGCCACCGCCCGACCCGGCAGCACTCACCTCTTGGGGGCT[T>TC]CCCCAACAGCAGGGGGCTTGTGTCCCAGAAGGAATTGCTCTCGCTCTGCGATGTCGGGCA-3'